The following is an entry in ClinVar:

NM_004525.3(LRP2):c.158G>A (p.Cys53Tyr)

Gene: LRP2 (LDL receptor related protein 2; minus strand). Cytogenetic location: 2q31.1.
Variant type: single nucleotide variant.
Coding change: c.158G>A on transcript NM_004525.3 (MANE Select); coding-DNA position 158, G replaced by A.
Protein change: p.Cys53Tyr; replaces cysteine 53 with tyrosine.
Molecular consequence: missense variant.
Genome position (GRCh38, 1-based): chr2:169,320,806, C>T on the plus strand (G>A on the coding strand, the complement: LRP2 is on the minus strand). VCF-style: chr2-169320806-C-T. GRCh37 (hg19) VCF-style: chr2-170177316-C-T.
Other names: short protein forms C53Y.
Identifiers: ClinVar variation 1714675 (VCV001714675.5), dbSNP rs1684890156, ClinGen allele CA349174603.
Genomic context (GRCh38, chr2:169,320,806, plus strand): 5'-ATAGAACTTAGCCTGGCCCCTCCTCACTTACCGCAGCCAATTTCATCCGCGTCATCTGAA[C>T]AGTCTTTGGTCCCATCACACCTCCAGTCTGCAGGGATGCAATGCCCACTTCCACAGCGAA-3'
Protein context (NP_004516.2, residues 43-63): ADWRCDGTKD[Cys53Tyr]SDDADEIGCA

ClinVar aggregate classification (germline): Uncertain significance (1 of 4 stars; one submission).

Submission:

Labcorp Genetics (formerly Invitae), Labcorp
Classification: Uncertain significance. Last evaluated: 2022-08-01. Review status: criteria provided, single submitter. Criteria: Invitae Variant Classification Sherloc (09022015). Collection method: clinical testing. Allele origin: germline.
Comment: In summary, the available evidence is currently insufficient to determine the role of this variant in disease. Therefore, it has been classified as a Variant of Uncertain Significance. This sequence change replaces cysteine, which is neutral and slightly polar, with tyrosine, which is neutral and polar, at codon 53 of the LRP2 protein (p.Cys53Tyr). This variant is not present in population databases (gnomAD no frequency). This variant has not been reported in the literature in individuals affected with LRP2-related conditions. Advanced modeling of protein sequence and biophysical properties (such as structural, functional, and spatial information, amino acid conservation, physicochemical variation, residue mobility, and thermodynamic stability) performed at Invitae indicates that this missense variant is expected to disrupt LRP2 protein function.